The following is an entry in ClinVar:

ClinVar aggregate classification (germline): Uncertain significance. Review status: criteria provided, multiple submitters, no conflicts (2 of 4 stars). 2 submissions from 2 submitters: Uncertain significance (2). Last evaluated 2023-04-12.

Submissions (2):

Blueprint Genetics
Classification: Uncertain significance. Last evaluated: 2023-04-12. Review status: criteria provided, single submitter. Criteria: ACMG Guidelines, 2015. Collection method: clinical testing. Allele origin: germline.

GeneDx
Classification: Uncertain significance. Last evaluated: 2022-06-28. Review status: criteria provided, single submitter. Criteria: GeneDx Variant Classification Process June 2021. Collection method: clinical testing. Allele origin: germline. Affected: yes.
Comment: Not observed at significant frequency in large population cohorts (gnomAD); In silico analysis supports that this missense variant has a deleterious effect on protein structure/function; Has not been previously published as pathogenic or benign to our knowledge

NM_005861.4(STUB1):c.104G>C (p.Arg35Pro)

Gene: STUB1 (STIP1 homology and U-box containing protein 1; plus strand). Cytogenetic location: 16p13.3.
Variant type: single nucleotide variant.
Coding change: c.104G>C on transcript NM_005861.4 (MANE Select); coding-DNA position 104, G replaced by C.
Protein change: p.Arg35Pro; replaces arginine 35 with proline.
Molecular consequence: missense variant. On other transcripts: 5 prime UTR variant (1).
Genome position (GRCh38, 1-based): chr16:680,629, G>C. VCF-style: chr16-680629-G-C. GRCh37 (hg19) VCF-style: chr16-730629-G-C.
Other names: c.-202G>C (NM_001293197.2); short protein forms R35P.
Identifiers: ClinVar variation 1809905 (VCV001809905.2), dbSNP rs1412198141, ClinGen allele CA394109955.